The following is an entry in ClinVar:

ClinVar aggregate classification (germline): Uncertain significance (1 of 4 stars; one submission).

Submission:

Ambry Genetics
Classification: Uncertain significance. Last evaluated: 2026-09-13. Review status: criteria provided, single submitter. Criteria: Ambry Variant Classification Scheme 2023. Collection method: clinical testing. Allele origin: germline.
Comment: The p.N945K variant (also known as c.2835T>A), located in coding exon 1 of the MLH3 gene, results from a T to A substitution at nucleotide position 2835. The asparagine at codon 945 is replaced by lysine, an amino acid with similar properties. This amino acid position is conserved. In addition, this alteration is predicted to be tolerated by in silico analysis. Based on the available evidence, the clinical significance of this variant remains unclear.

NM_001040108.2(MLH3):c.2835T>A (p.Asn945Lys)

Gene: MLH3 (mutL homolog 3; minus strand). Cytogenetic location: 14q24.3.
Variant type: single nucleotide variant.
Coding change: c.2835T>A on transcript NM_001040108.2 (MANE Select); coding-DNA position 2835, T replaced by A.
Protein change: p.Asn945Lys; replaces asparagine 945 with lysine.
Molecular consequence: missense variant.
Genome position (GRCh38, 1-based): chr14:75,046,821, A>T on the plus strand (T>A on the coding strand, the complement: MLH3 is on the minus strand). VCF-style: chr14-75046821-A-T. GRCh37 (hg19) VCF-style: chr14-75513524-A-T.
Other names: c.2835T>A, p.Asn945Lys (NM_014381.3); short protein forms N945K.
Identifiers: ClinVar variation 5024653 (VCV005024653.1).